The following is an entry in ClinVar:

ClinVar aggregate classification (germline): Uncertain significance. Review status: criteria provided, multiple submitters, no conflicts (2 of 4 stars). 3 submissions from 3 submitters: Uncertain significance (3). Last evaluated 2024-05-06.

Conditions:
Early-onset Parkinson disease 20. Also called: PARKINSON DISEASE 20, AUTOSOMAL RECESSIVE EARLY-ONSET. Identifiers: Orphanet 391411, MedGen C3809824, MONDO:0014233, OMIM 615530.
Developmental and epileptic encephalopathy, 53. Also called: Epileptic encephalopathy, early infantile, 53. Identifiers: MedGen C4479313, MONDO:0033362, OMIM 617389.

Allele frequency attached by ClinVar (database versions not stated): gnomAD exomes 0.00002 and 0.00003; TOPMed 0.00002; ESP Exome Variant Server 0.00008; ExAC 0.00002; gnomAD 0.00002.
gnomAD v4.1: 42 of 1,613,980 alleles (0.0026%); highest among the groups gnomAD compares: African/African-American, 0.004%; no homozygotes.

Submissions (3):

Mayo Clinic Laboratories, Mayo Clinic
Classification: Uncertain significance. Last evaluated: 2024-05-06. Review status: criteria provided, single submitter. Criteria: ACMG Guidelines, 2015. Collection method: clinical testing. Allele origin: germline. Observed: 1 variant allele.
Comment: PM2

Labcorp Genetics (formerly Invitae), Labcorp
Classification: Uncertain significance for Developmental and epileptic encephalopathy, 53; Early-onset Parkinson disease 20. Last evaluated: 2022-06-13. Review status: criteria provided, single submitter. Criteria: Invitae Variant Classification Sherloc (09022015). Collection method: clinical testing. Allele origin: germline.
Comment: This sequence change replaces arginine, which is basic and polar, with cysteine, which is neutral and slightly polar, at codon 154 of the SYNJ1 protein (p.Arg154Cys). This variant is present in population databases (rs370189840, gnomAD 0.005%). This variant has not been reported in the literature in individuals affected with SYNJ1-related conditions. ClinVar contains an entry for this variant (Variation ID: 1326691). Algorithms developed to predict the effect of missense changes on protein structure and function (SIFT, PolyPhen-2, Align-GVGD) all suggest that this variant is likely to be disruptive. In summary, the available evidence is currently insufficient to determine the role of this variant in disease. Therefore, it has been classified as a Variant of Uncertain Significance.

GeneDx
Classification: Uncertain significance. Last evaluated: 2021-05-24. Review status: criteria provided, single submitter. Criteria: GeneDx Variant Classification Process June 2021. Collection method: clinical testing. Allele origin: germline. Affected: yes.
Comment: Not observed at significant frequency in large population cohorts (Lek et al., 2016); In silico analysis supports that this missense variant has a deleterious effect on protein structure/function; Has not been previously published as pathogenic or benign to our knowledge

NM_203446.3(SYNJ1):c.343C>T (p.Arg115Cys)

Gene: SYNJ1 (synaptojanin 1; minus strand). Cytogenetic location: 21q22.11.
Variant type: single nucleotide variant.
Coding change: c.343C>T on transcript NM_203446.3 (MANE Select); coding-DNA position 343, C replaced by T.
Protein change: p.Arg115Cys; replaces arginine 115 with cysteine.
Molecular consequence: missense variant.
Genome position (GRCh38, 1-based): chr21:32,699,974, G>A on the plus strand (C>T on the coding strand, the complement: SYNJ1 is on the minus strand). VCF-style: chr21-32699974-G-A. GRCh37 (hg19) VCF-style: chr21-34072284-G-A.
Other names: p.Arg154Cys; c.343C>T, p.Arg115Cys (NM_001160302.2, NM_001160306.2); c.460C>T, p.Arg154Cys (NM_003895.4); short protein forms R115C, R154C.
Identifiers: ClinVar variation 1326691 (VCV001326691.10), dbSNP rs370189840, ClinGen allele CA10004149.